The following is an entry in ClinVar:

ClinVar aggregate classification (germline): Uncertain significance. Review status: criteria provided, multiple submitters, no conflicts (2 of 4 stars). 2 submissions from 2 submitters: Uncertain significance (2). Last evaluated 2025-07-15.

Conditions:
Familial thoracic aortic aneurysm and aortic dissection (TAAD). Also called: Thoracic aortic aneurysms and dissections. Identifiers: Orphanet 91387, MedGen C4707243, MONDO:0019625.
Ehlers-Danlos syndrome, classic type, 1 (EDSCL1). Also called: EHLERS-DANLOS SYNDROME, GRAVIS TYPE; EHLERS-DANLOS SYNDROME, SEVERE CLASSIC TYPE; Ehlers-Danlos syndrome, type 1; Ehlers-Danlos Syndrome, Classic Type, COL5A1-Related; EDS I. Identifiers: MedGen C0268335, MONDO:0019567, OMIM 130000.

gnomAD v4.1: 2 of 1,614,088 alleles (0.00012%); highest among the groups gnomAD compares: Non-Finnish European, 0.00017%; no homozygotes.

Submissions (2):

Ambry Genetics
Classification: Uncertain significance for Familial thoracic aortic aneurysm and aortic dissection. Last evaluated: 2025-07-15. Review status: criteria provided, single submitter. Criteria: Ambry Variant Classification Scheme 2023. Collection method: clinical testing. Allele origin: germline.
Comment: The p.A1076V variant (also known as c.3227C>T), located in coding exon 46 of the COL5A2 gene, results from a C to T substitution at nucleotide position 3227. The alanine at codon 1076 is replaced by valine, an amino acid with similar properties. This amino acid position is not well conserved in available vertebrate species. In addition, the in silico prediction for this alteration is inconclusive. Based on the available evidence, the clinical significance of this variant remains unclear.

Labcorp Genetics (formerly Invitae), Labcorp
Classification: Uncertain significance for Ehlers-Danlos syndrome, classic type, 1. Last evaluated: 2024-06-28. Review status: criteria provided, single submitter. Criteria: Invitae Variant Classification Sherloc (09022015). Collection method: clinical testing. Allele origin: germline.
Comment: This sequence change replaces alanine, which is neutral and non-polar, with valine, which is neutral and non-polar, at codon 1076 of the COL5A2 protein (p.Ala1076Val). This variant is present in population databases (rs750087898, gnomAD 0.002%). This variant has not been reported in the literature in individuals affected with COL5A2-related conditions. Advanced modeling of protein sequence and biophysical properties (such as structural, functional, and spatial information, amino acid conservation, physicochemical variation, residue mobility, and thermodynamic stability) performed at Invitae indicates that this missense variant is not expected to disrupt COL5A2 protein function with a negative predictive value of 80%. In summary, the available evidence is currently insufficient to determine the role of this variant in disease. Therefore, it has been classified as a Variant of Uncertain Significance.

NM_000393.5(COL5A2):c.3227C>T (p.Ala1076Val)

Gene: COL5A2 (collagen type V alpha 2 chain; minus strand). Cytogenetic location: 2q32.2.
Variant type: single nucleotide variant.
Coding change: c.3227C>T on transcript NM_000393.5 (MANE Select); coding-DNA position 3227, C replaced by T.
Protein change: p.Ala1076Val; replaces alanine 1076 with valine.
Molecular consequence: missense variant.
Genome position (GRCh38, 1-based): chr2:189,045,882, G>A on the plus strand (C>T on the coding strand, the complement: COL5A2 is on the minus strand). VCF-style: chr2-189045882-G-A. GRCh37 (hg19) VCF-style: chr2-189910608-G-A.
Other names: c.3227C>T (NM_000393.3); short protein forms A1076V.
Identifiers: ClinVar variation 3700666 (VCV003700666.3).
Genomic context (GRCh38, chr2:189,045,882, plus strand): 5'-TCTCCTGGAGCACCCACAGGGCCAGGAGTTCCAGGGGCACCCTGAGAGCCTGGCAGACCT[G>A]CAGGCCCAGGGTCTCCACGATCACCCTAACAAGAATAACCATGATATTATTTTTTAACAT-3'
Protein context (NP_000384.2, residues 1066-1086): ERGDRGDPGP[Ala1076Val]GLPGSQGAPG